The following is an entry in ClinVar:

NM_001134831.2(AHI1):c.2671C>T (p.Arg891Ter)

Gene: AHI1 (Abelson helper integration site 1; minus strand). Cytogenetic location: 6q23.3.
Variant type: single nucleotide variant.
Coding change: c.2671C>T on transcript NM_001134831.2 (MANE Select); coding-DNA position 2671, C replaced by T.
Protein change: p.Arg891Ter; replaces arginine 891 with a stop codon.
Molecular consequence: nonsense.
Genome position (GRCh38, 1-based): chr6:135,427,260, G>A on the plus strand (C>T on the coding strand, the complement: AHI1 is on the minus strand). VCF-style: chr6-135427260-G-A. GRCh37 (hg19) VCF-style: chr6-135748398-G-A.
Other names: c.2671C>T, p.Arg891Ter (NM_001134830.2, NM_001134832.2, NM_001350503.2 and 2 more transcripts); short protein forms R891*.
Identifiers: ClinVar variation 858292 (VCV000858292.18), dbSNP rs1355690902, ClinGen allele CA365741327.
Genomic context (GRCh38, chr6:135,427,260, plus strand): 5'-CATTTTGCCCAAATGCACAGAATGCAACCATATTTTCAAATGGATGATAAGAAATGTCTC[G>A]AATGGGTGACTTGAATGGCAAGTCAGAATACATGGCTACTTGTTCTCCTAAATAAAAAGA-3'

ClinVar aggregate classification (germline): Pathogenic/Likely pathogenic. Review status: criteria provided, multiple submitters, no conflicts (2 of 4 stars). 7 submissions from 7 submitters: Pathogenic (4); Likely pathogenic (3). Last evaluated 2026-05-10.

Conditions:
Joubert syndrome. Also called: JOUBERT-BOLTSHAUSER SYNDROME; Familial aplasia of the vermis. Identifiers: Orphanet 475, MedGen C5979921, MONDO:0018772.
Joubert syndrome 3 (JBTS3). Also called: AHI1-related Ciliopathy. Identifiers: Orphanet 220493, MedGen C1837713, MONDO:0012078, OMIM 608629.
AHI1-related disorder. Also called: AHI1-related condition.

Allele frequency attached by ClinVar (database versions not stated): TOPMed 0.00002.
gnomAD v4.1: 2 of 1,610,298 alleles (0.00012%); highest among the groups gnomAD compares: Non-Finnish European, 0.00017%; no homozygotes.

Submissions (7):

PreventionGenetics, part of Exact Sciences
Classification: Pathogenic for AHI1-related condition. Last evaluated: 2026-05-10. Review status: criteria provided, single submitter. Criteria: ACMG Guidelines, 2015. Collection method: clinical testing. Allele origin: germline.
Comment: The AHI1 c.2671C>T variant is predicted to result in premature protein termination (p.Arg891*). This variant has been reported in the heterozygous state in an individual with Joubert syndrome (Otto et al. 2011. PubMed ID: 21068128). This variant has not been reported in a large population database (gnomAD), indicating this variant is rare. Nonsense variants in AHI1 are expected to be pathogenic. This variant is interpreted as pathogenic.

Labcorp Genetics (formerly Invitae), Labcorp
Classification: Pathogenic for Joubert syndrome. Last evaluated: 2025-09-16. Review status: criteria provided, single submitter. Criteria: Invitae Variant Classification Sherloc (09022015). Collection method: clinical testing. Allele origin: germline.
Comment: This sequence change creates a premature translational stop signal (p.Arg891*) in the AHI1 gene. It is expected to result in an absent or disrupted protein product. Loss-of-function variants in AHI1 are known to be pathogenic (PMID: 15322546, 16453322, 28442542, 29186038). This variant is not present in population databases (gnomAD no frequency). This premature translational stop signal has been observed in individual(s) with Joubert syndrome (PMID: 21068128; internal data). ClinVar contains an entry for this variant (Variation ID: 858292). For these reasons, this variant has been classified as Pathogenic.

Myriad Genetics, Inc.
Classification: Pathogenic for Joubert syndrome 3. Last evaluated: 2024-05-06. Review status: criteria provided, single submitter. Criteria: Myriad Autosomal Dominant, Autosomal Recessive and X-Linked Classification Criteria (2023). Collection method: clinical testing. Allele origin: unknown.
Comment: NM_001134831.1(AHI1):c.2671C>T(R891*) is expected to be pathogenic in the context of Joubert syndrome, AHI1-related. This variant is predicted to lead to an abnormal or absent protein product due to the creation of a premature termination codon in AHI1, a gene where loss-of-function variants are known to be pathogenic. Please note: this variant was assessed in the context of healthy population screening.

Fulgent Genetics
Classification: Likely pathogenic for Joubert syndrome 3. Last evaluated: 2024-01-26. Review status: criteria provided, single submitter. Criteria: ACMG Guidelines, 2015. Collection method: clinical testing. Allele origin: germline.

Blueprint Genetics
Classification: Likely pathogenic for AHI1-related disorders. Last evaluated: 2021-03-17. Review status: criteria provided, single submitter. Criteria: ACMG Guidelines, 2015. Collection method: clinical testing. Allele origin: germline. Affected: yes. Observed: 3 variant alleles.

Breda Genetics srl
Classification: Pathogenic for Joubert syndrome 3. Last evaluated: 2020-07-15. Review status: criteria provided, single submitter. Criteria: ACMG Guidelines, 2015. Collection method: clinical testing. Allele origin: germline. Inheritance: Autosomal recessive inheritance. Affected: yes.
Comment: The variant c.2671C>T (p.Arg891*) is reported as pathogenic for Joubert syndrome and likely pathogenic for retinal dystrophy in ClinVar (Variation ID: 858292). The variant creates a premature stop codon at amino acid position Arg891, which is likely to result in a truncated protein or protein loss due to nonsense-mediated messenger decay (NMD). There is no information on frequency in gnomAD, 1000 Genomes or NHLBI Exome Sequencing Project (ESP).

Juno Genomics, Hangzhou Juno Genomics, Inc
Classification: Likely pathogenic for Joubert syndrome 3. Review status: criteria provided, single submitter. Criteria: ACMG Guidelines, 2015. Collection method: clinical testing. Allele origin: germline. Affected: yes.
Comment: Absent from controls (or at extremely low frequency if recessive) in Genome Aggregation Database.;Null variant in a gene where loss of function (LOF) is a known mechanism of disease.

Literature cited by the submitters: PubMed 15322546 (cited by Labcorp Genetics (formerly Invitae), Labcorp); PubMed 16453322 (cited by Labcorp Genetics (formerly Invitae), Labcorp); PubMed 28442542 (cited by Labcorp Genetics (formerly Invitae), Labcorp); PubMed 29186038 (cited by Labcorp Genetics (formerly Invitae), Labcorp); PubMed 21068128 (cited by Labcorp Genetics (formerly Invitae), Labcorp).